The following is an entry in ClinVar:

NM_000432.4(MYL2):c.113A>G (p.Gln38Arg)

Gene: MYL2 (myosin light chain 2; minus strand). Cytogenetic location: 12q24.11.
Variant type: single nucleotide variant.
Coding change: c.113A>G on transcript NM_000432.4 (MANE Select); coding-DNA position 113, A replaced by G.
Protein change: p.Gln38Arg; replaces glutamine 38 with arginine.
Molecular consequence: missense variant.
Genome position (GRCh38, 1-based): chr12:110,915,771, T>C on the plus strand (A>G on the coding strand, the complement: MYL2 is on the minus strand). VCF-style: chr12-110915771-T-C. GRCh37 (hg19) VCF-style: chr12-111353575-T-C.
Other names: p.Q38R:CAG>CGG; short protein forms Q38R.
Identifiers: ClinVar variation 181429 (VCV000181429.5), dbSNP rs730880947, ClinGen allele CA009842.

ClinVar aggregate classification (germline): Uncertain significance. Review status: criteria provided, multiple submitters, no conflicts (2 of 4 stars). 2 submissions from 2 submitters: Uncertain significance (2). Last evaluated 2026-01-06.

Conditions:
Hypertrophic cardiomyopathy 10. Also called: CARDIOMYOPATHY, HYPERTROPHIC, MID-LEFT VENTRICULAR CHAMBER TYPE, 2; MYL2-Related Familial Hypertrophic Cardiomyopathy. Identifiers: MedGen C1834460, MONDO:0012112, OMIM 608758.

Submissions (2):

Labcorp Genetics (formerly Invitae), Labcorp
Classification: Uncertain significance for Hypertrophic cardiomyopathy 10. Last evaluated: 2026-01-06. Review status: criteria provided, single submitter. Criteria: Invitae Variant Classification Sherloc (09022015). Collection method: clinical testing. Allele origin: germline.
Comment: This sequence change replaces glutamine, which is neutral and polar, with arginine, which is basic and polar, at codon 38 of the MYL2 protein (p.Gln38Arg). This variant is not present in population databases (gnomAD no frequency). This missense change has been observed in individual(s) with hypertrophic cardiomyopathy (PMID: 33012304, 37652022). ClinVar contains an entry for this variant (Variation ID: 181429). An algorithm developed to predict the effect of missense changes on protein structure and function (PolyPhen-2) suggests that this variant is likely to be disruptive. In summary, the available evidence is currently insufficient to determine the role of this variant in disease. Therefore, it has been classified as a Variant of Uncertain Significance.

GeneDx
Classification: Uncertain significance. Last evaluated: 2022-07-28. Review status: criteria provided, single submitter. Criteria: GeneDx Variant Classification Process June 2021. Collection method: clinical testing. Allele origin: germline. Affected: yes.
Comment: Not observed at significant frequency in large population cohorts (gnomAD); In silico analysis supports that this missense variant has a deleterious effect on protein structure/function; This variant is associated with the following publications: (PMID: 33012304)

Literature cited by the submitters: PubMed 33012304 (cited by Labcorp Genetics (formerly Invitae), Labcorp); PubMed 37652022 (cited by Labcorp Genetics (formerly Invitae), Labcorp).